The following is an entry in ClinVar:

ClinVar aggregate classification (germline): Uncertain significance (1 of 4 stars; one submission).

gnomAD v4.1: 3 of 1,613,948 alleles (0.00019%); highest among the groups gnomAD compares: Non-Finnish European, 0.00025%; no homozygotes.

Submission:

GeneDx
Classification: Uncertain significance. Last evaluated: 2022-04-06. Review status: criteria provided, single submitter. Criteria: GeneDx Variant Classification Process June 2021. Collection method: clinical testing. Allele origin: germline. Affected: yes.
Comment: Not observed at significant frequency in large population cohorts (gnomAD); In silico analysis supports that this missense variant has a deleterious effect on protein structure/function; Has not been previously published as pathogenic or benign to our knowledge

NM_002775.5(HTRA1):c.1215C>G (p.Phe405Leu)

Gene: HTRA1 (HtrA serine peptidase 1; plus strand). Cytogenetic location: 10q26.13.
Variant type: single nucleotide variant.
Coding change: c.1215C>G on transcript NM_002775.5 (MANE Select); coding-DNA position 1215, C replaced by G.
Protein change: p.Phe405Leu; replaces phenylalanine 405 with leucine.
Molecular consequence: missense variant.
Genome position (GRCh38, 1-based): chr10:122,512,006, C>G. VCF-style: chr10-122512006-C-G. GRCh37 (hg19) VCF-style: chr10-124271522-C-G.
Other names: short protein forms F405L.
Identifiers: ClinVar variation 1708645 (VCV001708645.2), dbSNP rs2497655839, ClinGen allele CA378588109.
Genomic context (GRCh38, chr10:122,512,006, plus strand): 5'-ACGGGTGCTTTTTCTCTGGAGCAGCAAAGCCAAAGAGCTGAAGGACCGGCACCGGGACTT[C>G]CCAGACGTGATCTCAGGAGCGTATATAATTGAAGTAATTCCTGATACCCCAGCAGAAGCG-3'
Protein context (NP_002766.1, residues 395-415): AKELKDRHRD[Phe405Leu]PDVISGAYII